The following is an entry in ClinVar:

NM_001256071.3(RNF213):c.2224C>G (p.Gln742Glu)

Gene: RNF213 (ring finger protein 213; plus strand). Cytogenetic location: 17q25.3.
Variant type: single nucleotide variant.
Coding change: c.2224C>G on transcript NM_001256071.3 (MANE Select); coding-DNA position 2224, C replaced by G.
Protein change: p.Gln742Glu; replaces glutamine 742 with glutamic acid.
Molecular consequence: missense variant.
Genome position (GRCh38, 1-based): chr17:80,306,265, C>G. VCF-style: chr17-80306265-C-G. GRCh37 (hg19) VCF-style: chr17-78280065-C-G.
Other names: p.Gln742Glu; c.2224C>G, p.Gln742Glu (NM_020954.4); short protein forms Q742E.
Identifiers: ClinVar variation 781333 (VCV000781333.9), dbSNP rs79792282, ClinGen allele CA8819782.

ClinVar aggregate classification (germline): Benign. Review status: criteria provided, multiple submitters, no conflicts (2 of 4 stars). 3 submissions from 3 submitters: Benign (3). Last evaluated 2025-10-02.

Allele frequency attached by ClinVar (database versions not stated): gnomAD 0.01118 and 0.01033; TOPMed 0.01124; ESP Exome Variant Server 0.01230; gnomAD exomes 0.00116 and 0.00259; ExAC 0.00343; 1000 Genomes Project 0.00938; 1000 Genomes Project 30x 0.01046.
gnomAD v4.1: 3,327 of 1,614,112 alleles (0.21%); highest among the groups gnomAD compares: African/African-American, 3.5%; 70 homozygotes.

Submissions (3):

Labcorp Genetics (formerly Invitae), Labcorp
Classification: Benign. Last evaluated: 2025-10-02. Review status: criteria provided, single submitter. Criteria: Invitae Variant Classification Sherloc (09022015). Collection method: clinical testing. Allele origin: germline.

Mayo Clinic Laboratories, Mayo Clinic
Classification: Benign. Last evaluated: 2023-08-28. Review status: criteria provided, single submitter. Criteria: ACMG Guidelines, 2015. Collection method: clinical testing. Allele origin: germline. Observed: 6 variant alleles.
Comment: BS1, BS2, BP4

Breakthrough Genomics
Classification: Benign. Review status: criteria provided, single submitter. Criteria: ACMG Guidelines, 2015. Collection method: not provided. Allele origin: germline. Inheritance: Autosomal dominant inheritance. Affected: yes.